The following is an entry in ClinVar:

ClinVar aggregate classification (germline): Uncertain significance (1 of 4 stars; one submission).

Submission:

Greenwood Genetic Center Diagnostic Laboratories, Greenwood Genetic Center
Classification: Uncertain significance. Last evaluated: 2025-06-02. Review status: criteria provided, single submitter. Criteria: ACMG Guidelines, 2015. Collection method: clinical testing. Allele origin: germline. Affected: yes.
Comment: PM2, BP4

NM_002025.4(AFF2):c.888C>G (p.Asp296Glu)

Gene: AFF2 (ALF transcription elongation factor 2; plus strand). Cytogenetic location: Xq28.
Variant type: single nucleotide variant.
Coding change: c.888C>G on transcript NM_002025.4 (MANE Select); coding-DNA position 888, C replaced by G.
Protein change: p.Asp296Glu; replaces aspartic acid 296 with glutamic acid.
Molecular consequence: missense variant.
Genome position (GRCh38, 1-based): chrX:148,662,615, C>G. VCF-style: chrX-148662615-C-G. GRCh37 (hg19) VCF-style: chrX-147744136-C-G.
Other names: c.876C>G, p.Asp292Glu (NM_001169122.2, NM_001169123.2, NM_001169125.2); c.888C>G, p.Asp296Glu (NM_001169124.2); short protein forms D292E, D296E.
Identifiers: ClinVar variation 4538278 (VCV004538278.1).